The following is an entry in ClinVar:

NM_001371986.1(UNC80):c.7726C>T (p.Arg2576Trp)

Gene: UNC80 (unc-80 homolog, NALCN channel complex subunit; plus strand). Cytogenetic location: 2q34.
Variant type: single nucleotide variant.
Coding change: c.7726C>T on transcript NM_001371986.1 (MANE Select); coding-DNA position 7726, C replaced by T.
Protein change: p.Arg2576Trp; replaces arginine 2576 with tryptophan.
Molecular consequence: missense variant.
Genome position (GRCh38, 1-based): chr2:209,959,628, C>T. VCF-style: chr2-209959628-C-T. GRCh37 (hg19) VCF-style: chr2-210824352-C-T.
Other names: c.7528C>T, p.Arg2510Trp (NM_032504.2); c.7513C>T, p.Arg2505Trp (NM_182587.4); c.7528C>T (NM_032504.1); short protein forms R2576W, R2505W, R2510W.
Identifiers: ClinVar variation 2098746 (VCV002098746.2), dbSNP rs750236635, ClinGen allele CA2083494.

ClinVar aggregate classification (germline): Uncertain significance. Review status: criteria provided, multiple submitters, no conflicts (2 of 4 stars). 2 submissions from 2 submitters: Uncertain significance (2). Last evaluated 2024-04-04.

Conditions:
Inborn genetic diseases. Identifiers: MedGen C0950123, MeSH D030342.

Allele frequency attached by ClinVar (database versions not stated): gnomAD exomes below 0.00001; TOPMed 0.00002; ExAC 0.00005.
gnomAD v4.1: 6 of 1,551,682 alleles (0.00039%); highest among the groups gnomAD compares: Admixed American, 0.002%; no homozygotes.

Submissions (2):

Ambry Genetics
Classification: Uncertain significance for Inborn genetic diseases. Last evaluated: 2024-04-04. Review status: criteria provided, single submitter. Criteria: Ambry Variant Classification Scheme 2023. Collection method: clinical testing. Allele origin: germline.

Labcorp Genetics (formerly Invitae), Labcorp
Classification: Uncertain significance. Last evaluated: 2022-03-18. Review status: criteria provided, single submitter. Criteria: Invitae Variant Classification Sherloc (09022015). Collection method: clinical testing. Allele origin: germline.
Comment: This sequence change replaces arginine, which is basic and polar, with tryptophan, which is neutral and slightly polar, at codon 2510 of the UNC80 protein (p.Arg2510Trp). The frequency data for this variant in the population databases is considered unreliable, as metrics indicate poor data quality at this position in the gnomAD database. This variant has not been reported in the literature in individuals affected with UNC80-related conditions. Algorithms developed to predict the effect of missense changes on protein structure and function are either unavailable or do not agree on the potential impact of this missense change (SIFT: "Not Available"; PolyPhen-2: "Probably Damaging"; Align-GVGD: "Not Available"). In summary, the available evidence is currently insufficient to determine the role of this variant in disease. Therefore, it has been classified as a Variant of Uncertain Significance.